The following is an entry in ClinVar:

NM_000256.3(MYBPC3):c.3752_3753del (p.Tyr1251fs)

Gene: MYBPC3 (myosin binding protein C3; minus strand). Cytogenetic location: 11p11.2.
Variant type: Deletion.
Coding change: c.3752_3753del on transcript NM_000256.3 (MANE Select); coding-DNA positions 3752 to 3753, 2 bases deleted (AT; older notation c.3752_3753delAT).
Protein change: p.Tyr1251fs; shifts the reading frame from tyrosine 1251.
Molecular consequence: frameshift variant.
Genome position (GRCh38, 1-based): chr11:47,332,133-47,332,134, AT deleted on the plus strand (AT on the coding strand, the reverse complement: MYBPC3 is on the minus strand); deleting any 2 consecutive bases within chr11:47,332,133-47,332,135 gives the same sequence; the c. name uses the placement nearest the transcript's 3' end. VCF-style (leftmost placement, unchanged base first): chr11-47332132-CAT-C. GRCh37 (hg19) VCF-style: chr11-47353683-CAT-C.
Other names: short protein forms Y1251fs.
Identifiers: ClinVar variation 955173 (VCV000955173.9), dbSNP rs2095877711, ClinGen allele CA1139659382.
Genomic context (GRCh38, chr11:47,332,132, plus strand): 5'-CTCGCACCTCCAGGCGGCACTCACACCGTGCCTCGCCCTGTAAGTTGGTGGCCCTGCAGA[CAT>C]AGATGCCCCCGTCAAAGGGGCAGGGCTTTCTAATCTCCAGAGTCAACACTCCCTGCTTGC-3'

ClinVar aggregate classification (germline): Pathogenic/Likely pathogenic. Review status: criteria provided, multiple submitters, no conflicts (2 of 4 stars). 2 submissions from 2 submitters: Pathogenic (1); Likely pathogenic (1). Last evaluated 2020-07-31.

Conditions:
Cardiomyopathy (CMYO). Also called: Cardiomyopathies. Identifiers: Orphanet 167848, MedGen C0878544, MONDO:0004994, HP:0001638. Inheritance: Various modes of inheritance.
Hypertrophic cardiomyopathy. Also called: HYPERTROPHIC MYOCARDIOPATHY. Identifiers: Orphanet 217569, MedGen C0007194, MeSH D002312, MONDO:0005045, HP:0001639.

Submissions (2):

CHEO Genetics Diagnostic Laboratory, Children's Hospital of Eastern Ontario
Classification: Likely pathogenic for Cardiomyopathy. Last evaluated: 2020-07-31. Review status: criteria provided, single submitter. Criteria: ACMG Guidelines, 2015. Collection method: clinical testing. Allele origin: germline.

Labcorp Genetics (formerly Invitae), Labcorp
Classification: Pathogenic for Hypertrophic cardiomyopathy. Last evaluated: 2019-08-19. Review status: criteria provided, single submitter. Criteria: Invitae Variant Classification Sherloc (09022015). Collection method: clinical testing. Allele origin: germline.
Comment: Loss-of-function variants in MYBPC3 are known to be pathogenic (PMID: 19574547). This variant has not been reported in the literature in individuals with MYBPC3-related conditions. This variant is not present in population databases (ExAC no frequency). This sequence change creates a premature translational stop signal (p.Tyr1251Cysfs*14) in the MYBPC3 gene. It is expected to result in an absent or disrupted protein product. For these reasons, this variant has been classified as Pathogenic.

Literature cited by the submitters: PubMed 19574547 (cited by Labcorp Genetics (formerly Invitae), Labcorp).